The following is an entry in ClinVar:

NM_006420.3(ARFGEF2):c.5024G>A (p.Arg1675His)

Gene: ARFGEF2 (ARF guanine nucleotide exchange factor 2; plus strand). Cytogenetic location: 20q13.13.
Variant type: single nucleotide variant.
Coding change: c.5024G>A on transcript NM_006420.3 (MANE Select); coding-DNA position 5024, G replaced by A.
Protein change: p.Arg1675His; replaces arginine 1675 with histidine.
Molecular consequence: missense variant.
Genome position (GRCh38, 1-based): chr20:49,028,629, G>A. VCF-style: chr20-49028629-G-A. GRCh37 (hg19) VCF-style: chr20-47645166-G-A.
Other names: short protein forms R1675H.
Identifiers: ClinVar variation 434292 (VCV000434292.17), dbSNP rs778607741, ClinGen allele CA9899377.

ClinVar aggregate classification (germline): Uncertain significance. Review status: criteria provided, multiple submitters, no conflicts (2 of 4 stars). 5 submissions from 5 submitters: Uncertain significance (5). Last evaluated 2024-05-01.

Conditions:
Inborn genetic diseases. Identifiers: MedGen C0950123, MeSH D030342.

Allele frequency attached by ClinVar (database versions not stated): gnomAD 0.00004; gnomAD exomes 0.00004 and 0.00002; TOPMed 0.00005; ExAC 0.00004.
gnomAD v4.1: 40 of 1,614,054 alleles (0.0025%); highest among the groups gnomAD compares: Middle Eastern, 0.049%; no homozygotes.

Submissions (5):

Labcorp Genetics (formerly Invitae), Labcorp
Classification: Uncertain significance. Last evaluated: 2024-05-01. Review status: criteria provided, single submitter. Criteria: Invitae Variant Classification Sherloc (09022015). Collection method: clinical testing. Allele origin: germline.
Comment: This sequence change replaces arginine, which is basic and polar, with histidine, which is basic and polar, at codon 1675 of the ARFGEF2 protein (p.Arg1675His). This variant is present in population databases (rs778607741, gnomAD 0.01%). This variant has not been reported in the literature in individuals affected with ARFGEF2-related conditions. ClinVar contains an entry for this variant (Variation ID: 434292). An algorithm developed to predict the effect of missense changes on protein structure and function (PolyPhen-2) suggests that this variant is likely to be tolerated. In summary, the available evidence is currently insufficient to determine the role of this variant in disease. Therefore, it has been classified as a Variant of Uncertain Significance.

Ambry Genetics
Classification: Uncertain significance for Inborn genetic diseases. Last evaluated: 2021-07-20. Review status: criteria provided, single submitter. Criteria: Ambry Variant Classification Scheme 2023. Collection method: clinical testing. Allele origin: germline.

Mayo Clinic Laboratories, Mayo Clinic
Classification: Uncertain significance. Last evaluated: 2020-03-03. Review status: criteria provided, single submitter. Criteria: ACMG Guidelines, 2015. Collection method: clinical testing. Allele origin: germline. Observed: 1 variant allele.

GeneDx
Classification: Uncertain significance. Last evaluated: 2019-10-14. Review status: criteria provided, single submitter. Criteria: GeneDx Variant Classification Process June 2021. Collection method: clinical testing. Allele origin: germline. Affected: yes.
Comment: Not observed at a significant frequency in large population cohorts (Lek et al., 2016); In silico analysis, which includes protein predictors and evolutionary conservation, supports a deleterious effect; Has not been previously published as pathogenic or benign to our knowledge

Genetic Services Laboratory, University of Chicago
Classification: Uncertain significance. Last evaluated: 2016-02-26. Review status: criteria provided, single submitter. Criteria: ACMG Guidelines, 2015. Collection method: clinical testing. Allele origin: germline. Affected: no.